The following is an entry in ClinVar:

ClinVar aggregate classification (germline): Uncertain significance (1 of 4 stars; one submission).

Submission:

Labcorp Genetics (formerly Invitae), Labcorp
Classification: Uncertain significance. Last evaluated: 2023-10-15. Review status: criteria provided, single submitter. Criteria: Invitae Variant Classification Sherloc (09022015). Collection method: clinical testing. Allele origin: germline.
Comment: This sequence change replaces glutamic acid, which is acidic and polar, with aspartic acid, which is acidic and polar, at codon 111 of the RPS20 protein (p.Glu111Asp). This variant is not present in population databases (gnomAD no frequency). This variant has not been reported in the literature in individuals affected with RPS20-related conditions. An algorithm developed to predict the effect of missense changes on protein structure and function (PolyPhen-2) suggests that this variant is likely to be tolerated. In summary, the available evidence is currently insufficient to determine the role of this variant in disease. Therefore, it has been classified as a Variant of Uncertain Significance.

NM_001023.4(RPS20):c.333G>T (p.Glu111Asp)

Gene: RPS20 (ribosomal protein S20; minus strand). Cytogenetic location: 8q12.1.
Variant type: single nucleotide variant.
Coding change: c.333G>T on transcript NM_001023.4 (MANE Select); coding-DNA position 333, G replaced by T.
Protein change: p.Glu111Asp; replaces glutamic acid 111 with aspartic acid.
Molecular consequence: missense variant.
Genome position (GRCh38, 1-based): chr8:56,073,117, C>A on the plus strand (G>T on the coding strand, the complement: RPS20 is on the minus strand). VCF-style: chr8-56073117-C-A. GRCh37 (hg19) VCF-style: chr8-56985676-C-A.
Other names: c.333G>T, p.Glu111Asp (NM_001146227.3); short protein forms E111D.
Identifiers: ClinVar variation 2768769 (VCV002768769.3), dbSNP rs752579707, ClinGen allele CA371282397.